The following is an entry in ClinVar:

NM_000059.4(BRCA2):c.1788T>C (p.Asp596=)

Gene: BRCA2 (BRCA2 DNA repair associated; plus strand). Cytogenetic location: 13q13.1.
Variant type: single nucleotide variant.
Coding change: c.1788T>C on transcript NM_000059.4 (MANE Select); coding-DNA position 1788, T replaced by C.
Protein change: p.Asp596=; no amino-acid change (aspartic acid 596 retained).
Molecular consequence: synonymous variant.
Genome position (GRCh38, 1-based): chr13:32,333,266, T>C. VCF-style: chr13-32333266-T-C. GRCh37 (hg19) VCF-style: chr13-32907403-T-C.
Other names: 2016T/C; 2016 T>C; NP_000050.3:p.Asp596=.
Identifiers: ClinVar variation 51193 (VCV000051193.91), dbSNP rs11571642, ClinGen allele CA013216.

ClinVar aggregate classification (germline): Benign. Review status: reviewed by expert panel (3 of 4 stars). 29 submissions from 28 submitters: Benign (1). 28 of the submissions do not count toward it. Last evaluated 2015-01-12.

Conditions:
Breast and/or ovarian cancer. Identifiers: MedGen CN221562.
Hereditary cancer-predisposing syndrome. Also called: Tumor predisposition; Neoplastic Syndromes, Hereditary; Hereditary neoplastic syndrome; Hereditary Cancer Syndrome. Identifiers: Orphanet 140162, MedGen C0027672, MeSH D009386, MONDO:0015356.
Hereditary breast ovarian cancer syndrome. Also called: Hereditary breast and ovarian cancer; BRCA1- and BRCA2-Associated Hereditary Breast and Ovarian Cancer; Hereditary breast and/or ovarian cancer syndrome; Hereditary breast and ovarian cancer syndrome; Breast and ovarian cancer; Hereditary breast and ovarian cancer syndrome (HBOC). Identifiers: Orphanet 145, MedGen C0677776, MeSH D061325, MONDO:0003582. Disease mechanism: loss of function.
Fanconi anemia complementation group D1. Also called: BRCA2-Related Fanconi Anemia. Identifiers: Orphanet 319462, MedGen C1838457, MONDO:0011584, OMIM 605724.
Breast-ovarian cancer, familial, susceptibility to, 2 (BROVCA2). Also called: BRCA2 Hereditary Breast and Ovarian Cancer. Identifiers: Orphanet 145, MedGen C2675520, MONDO:0012933, OMIM 612555. Disease mechanism: loss of function.
Familial cancer of breast. Also called: BREAST CANCER, FAMILIAL; hereditary breast carcinoma; Hereditary breast cancer. Identifiers: Orphanet 227535, MedGen C0346153, MONDO:0016419, OMIM 114480. Disease mechanism: loss of function.
Malignant tumor of breast. Also called: Malignant breast neoplasm; Cancer breast. Identifiers: MedGen C0006142, MONDO:0007254. Disease mechanism: loss of function.

Allele frequency attached by ClinVar (database versions not stated): ESP Exome Variant Server 0.00577; gnomAD 0.00723 and 0.00768; 1000 Genomes Project 30x 0.00953; gnomAD exomes 0.00072 and 0.00203; ExAC 0.00215; TOPMed 0.00804; 1000 Genomes Project 0.00819.
gnomAD v4.1: 2,198 of 1,608,580 alleles (0.14%); highest among the groups gnomAD compares: African/African-American, 2.3%; 20 homozygotes.

Submissions 1 to 22 of 29:

Evidence-based Network for the Interpretation of Germline Mutant Alleles (ENIGMA)
Classification: Benign for Breast-ovarian cancer, familial 2. Last evaluated: 2015-01-12. Review status: reviewed by expert panel. Criteria: ENIGMA BRCA1/2 Classification Criteria (2015). Collection method: curation. Allele origin: germline.
Comment: Class 1 not pathogenic based on frequency >1% in an outbred sampleset. Frequency 0.01829 (African), derived from 1000 genomes (2012-04-30).

Labcorp Genetics (formerly Invitae), Labcorp
Classification: Benign for Hereditary breast ovarian cancer syndrome. Last evaluated: 2026-02-04. Review status: criteria provided, single submitter. Criteria: Invitae Variant Classification Sherloc (09022015). Collection method: clinical testing. Allele origin: germline. Not counted in ClinVar's aggregate classification.

ARUP Laboratories, Molecular Genetics and Genomics, ARUP Laboratories
Classification: Benign. Last evaluated: 2025-05-27. Review status: criteria provided, single submitter. Criteria: ARUP Molecular Germline Variant Investigation Process 2024. Collection method: clinical testing. Allele origin: germline. Not counted in ClinVar's aggregate classification.

Center for Genomic Medicine, Rigshospitalet, Copenhagen University Hospital
Classification: Benign. Last evaluated: 2025-03-04. Review status: criteria provided, single submitter. Criteria: ACMG Guidelines, 2015. Collection method: clinical testing. Allele origin: germline. Not counted in ClinVar's aggregate classification.

Blueprint Genetics
Classification: Likely benign. Last evaluated: 2024-10-15. Review status: criteria provided, single submitter. Criteria: ACMG Guidelines, 2015. Collection method: clinical testing. Allele origin: germline. Not counted in ClinVar's aggregate classification.

KCCC/NGS Laboratory, Kuwait Cancer Control Center
Classification: Benign for Breast-ovarian cancer, familial, susceptibility to, 2. Last evaluated: 2023-07-07. Review status: criteria provided, single submitter. Criteria: ACMG Guidelines, 2015. Collection method: clinical testing. Allele origin: germline. Affected: yes. Not counted in ClinVar's aggregate classification.

National Health Laboratory Service, Universitas Academic Hospital and University of the Free State
Classification: Likely benign for Hereditary breast ovarian cancer syndrome. Last evaluated: 2022-04-19. Review status: criteria provided, single submitter. Criteria: ACMG Guidelines, 2015. Collection method: clinical testing. Allele origin: germline. Affected: yes. Observed: 3 variant alleles. Not counted in ClinVar's aggregate classification.

Genetics Program, Instituto Nacional de Cancer
Classification: Benign for Hereditary breast ovarian cancer syndrome. Last evaluated: 2021-11-01. Review status: criteria provided, single submitter. Criteria: ACMG Guidelines, 2015. Collection method: research. Allele origin: germline. Affected: yes. Not counted in ClinVar's aggregate classification.

Quest Diagnostics Nichols Institute San Juan Capistrano
Classification: Benign. Last evaluated: 2020-06-17. Review status: criteria provided, single submitter. Criteria: Quest Diagnostics criteria. Collection method: clinical testing. Allele origin: unknown. Not counted in ClinVar's aggregate classification.

Sema4
Classification: Benign for Hereditary cancer-predisposing syndrome. Last evaluated: 2020-03-28. Review status: criteria provided, single submitter. Criteria: Sema4 Curation Guidelines. Collection method: curation. Allele origin: germline. Not counted in ClinVar's aggregate classification.

Illumina Laboratory Services, Illumina
Classification: Likely benign for Fanconi anemia complementation group D1. Last evaluated: 2018-01-31. Review status: criteria provided, single submitter. Criteria: ICSL Variant Classification Criteria 13 December 2019. Collection method: clinical testing. Allele origin: germline. Not counted in ClinVar's aggregate classification.
Comment: This variant was observed as part of a predisposition screen in an ostensibly healthy population. A literature search was performed for the gene, cDNA change, and amino acid change (where applicable). No publications were found based on this search. Allele frequency data from public databases allowed determination this variant is unlikely to cause disease. Therefore, this variant is classified as likely benign.

Illumina Laboratory Services, Illumina
Classification: Likely benign for Breast-ovarian cancer, familial, susceptibility to, 2. Last evaluated: 2018-01-31. Review status: criteria provided, single submitter. Criteria: ICSL Variant Classification Criteria 13 December 2019. Collection method: clinical testing. Allele origin: germline. Not counted in ClinVar's aggregate classification.
Comment: This variant was observed as part of a predisposition screen in an ostensibly healthy population. A literature search was performed for the gene, cDNA change, and amino acid change (where applicable). Publications were found based on this search. The evidence from the literature, in combination with allele frequency data from public databases where available, was sufficient to determine this variant is unlikely to cause disease. Therefore, this variant is classified as likely benign.

Genome Diagnostics Laboratory, University Medical Center Utrecht
Classification: Benign for Breast-ovarian cancer, familial, susceptibility to, 2. Last evaluated: 2017-07-28. Review status: criteria provided, single submitter. Criteria: ACGS Guidelines, 2013. Collection method: clinical testing. Allele origin: germline. Affected: yes. Study: VKGL Data-share Consensus. Not counted in ClinVar's aggregate classification.

Institute for Biomarker Research, Medical Diagnostic Laboratories, L.L.C.
Classification: Likely benign for Hereditary cancer-predisposing syndrome. Last evaluated: 2017-07-12. Review status: criteria provided, single submitter. Criteria: ACMG Guidelines, 2015. Collection method: clinical testing. Allele origin: germline. Not counted in ClinVar's aggregate classification.

Baylor Genetics
Classification: Benign for Familial cancer of breast. Last evaluated: 2017-02-23. Review status: criteria provided, single submitter. Criteria: ACMG Guidelines, 2015. Collection method: clinical testing. Allele origin: germline. Inheritance: Autosomal dominant inheritance. Affected: no. Not counted in ClinVar's aggregate classification.

PreventionGenetics, part of Exact Sciences
Classification: Benign. Last evaluated: 2017-02-13. Review status: criteria provided, single submitter. Criteria: ACMG Guidelines, 2015. Collection method: clinical testing. Allele origin: germline. Not counted in ClinVar's aggregate classification.

CHEO Genetics Diagnostic Laboratory, Children's Hospital of Eastern Ontario
Classification: Uncertain significance for Breast and/or ovarian cancer. Last evaluated: 2016-07-15. Review status: criteria provided, single submitter. Criteria: ACMG Guidelines, 2015. Collection method: clinical testing. Allele origin: germline. Study: Canadian Open Genetics Repository. Not counted in ClinVar's aggregate classification.

Ambry Genetics
Classification: Benign for Hereditary cancer-predisposing syndrome. Last evaluated: 2015-11-06. Review status: criteria provided, single submitter. Criteria: Ambry Variant Classification Scheme 2023. Collection method: clinical testing. Allele origin: germline. Not counted in ClinVar's aggregate classification.

Clinical Genetics DNA and cytogenetics Diagnostics Lab, Erasmus MC, Erasmus Medical Center
Classification: Likely benign for Breast-ovarian cancer, familial, susceptibility to, 2. Last evaluated: 2015-09-21. Review status: criteria provided, single submitter. Criteria: ACGS Guidelines, 2013. Collection method: clinical testing. Allele origin: germline. Affected: yes. Study: VKGL Data-share Consensus. Not counted in ClinVar's aggregate classification.

Color Diagnostics, LLC DBA Color Health
Classification: Benign for Hereditary cancer-predisposing syndrome. Last evaluated: 2015-04-01. Review status: criteria provided, single submitter. Criteria: ACMG Guidelines, 2015. Collection method: clinical testing. Allele origin: germline. Not counted in ClinVar's aggregate classification.

Eurofins Ntd Llc (ga)
Classification: Benign. Last evaluated: 2014-08-06. Review status: criteria provided, single submitter. Criteria: EGL Classification Definitions 2015. Collection method: clinical testing. Allele origin: germline. Observed: 8 variant alleles, 8 heterozygotes. Not counted in ClinVar's aggregate classification.

Women's Health and Genetics/Laboratory Corporation of America, LabCorp
Classification: Benign for Hereditary breast ovarian cancer syndrome. Last evaluated: 2014-04-08. Review status: criteria provided, single submitter. Criteria: LabCorp Variant Classification Summary - May 2015. Collection method: clinical testing. Allele origin: germline. Not counted in ClinVar's aggregate classification.